The following is an entry in ClinVar:

NM_001111125.3(IQSEC2):c.2129A>G (p.Asn710Ser)

Gene: IQSEC2 (IQ motif and Sec7 domain ArfGEF 2; minus strand). Cytogenetic location: Xp11.22.
Variant type: single nucleotide variant.
Coding change: c.2129A>G on transcript NM_001111125.3 (MANE Select); coding-DNA position 2129, A replaced by G.
Protein change: p.Asn710Ser; replaces asparagine 710 with serine.
Molecular consequence: missense variant.
Genome position (GRCh38, 1-based): chrX:53,250,447, T>C on the plus strand (A>G on the coding strand, the complement: IQSEC2 is on the minus strand). VCF-style: chrX-53250447-T-C. GRCh37 (hg19) VCF-style: chrX-53279629-T-C.
Other names: c.2129A>G, p.Asn710Ser (NM_001410736.1, NM_001441092.1); c.1631A>G, p.Asn544Ser (NM_001441093.1); c.1418A>G, p.Asn473Ser (NM_001441094.1, NM_001441095.1); c.1514A>G, p.Asn505Ser (NM_015075.2); short protein forms N473S, N505S, N544S, N710S.
Identifiers: ClinVar variation 4801018 (VCV004801018.1).
Genomic context (GRCh38, chrX:53,250,447, plus strand): 5'-CACAGGCCGGTAGCCGGAGGCTCCCTTAGACTGTCCCGAGAAGAGGAGCCGGAGCTGCAG[T>C]TGATGGTCTCATTGGAATTGCTGGAGCTCTCAAGGCTCTCGTTATCTCCACCATCAGAGT-3'
Protein context (NP_001104595.1, residues 700-720): ESSSNSNETI[Asn710Ser]CSSGSSSRDS

ClinVar aggregate classification (germline): Uncertain significance (1 of 4 stars; one submission).

Conditions:
Intellectual developmental disorder, X-linked 1. Also called: Atkin Flaitz Patil Smith syndrome; MENTAL RETARDATION, X-LINKED 18; MENTAL RETARDATION, X-LINKED 78; Intellectual disability, X-linked 1. Identifiers: Orphanet 777, MedGen C2931498, MONDO:0010656, OMIM 309530.

Submission:

Labcorp Genetics (formerly Invitae), Labcorp
Classification: Uncertain significance for Intellectual developmental disorder, X-linked 1. Last evaluated: 2025-09-07. Review status: criteria provided, single submitter. Criteria: Invitae Variant Classification Sherloc (09022015). Collection method: clinical testing. Allele origin: germline.
Comment: This sequence change replaces asparagine, which is neutral and polar, with serine, which is neutral and polar, at codon 710 of the IQSEC2 protein (p.Asn710Ser). This variant is not present in population databases (gnomAD no frequency). This variant has not been reported in the literature in individuals affected with IQSEC2-related conditions. Invitae Evidence Modeling of protein sequence and biophysical properties (such as structural, functional, and spatial information, amino acid conservation, physicochemical variation, residue mobility, and thermodynamic stability) indicates that this missense variant is not expected to disrupt IQSEC2 protein function with a negative predictive value of 95%. In summary, the available evidence is currently insufficient to determine the role of this variant in disease. Therefore, it has been classified as a Variant of Uncertain Significance.